The following is an entry in ClinVar:

NM_013447.4(ADGRE2):c.1957G>A (p.Gly653Arg)

Gene: ADGRE2 (adhesion G protein-coupled receptor E2; minus strand). Cytogenetic location: 19p13.12.
Variant type: single nucleotide variant.
Coding change: c.1957G>A on transcript NM_013447.4 (MANE Select); coding-DNA position 1957, G replaced by A.
Protein change: p.Gly653Arg; replaces glycine 653 with arginine.
Molecular consequence: missense variant.
Genome position (GRCh38, 1-based): chr19:14,751,503, C>T on the plus strand (G>A on the coding strand, the complement: ADGRE2 is on the minus strand). VCF-style: chr19-14751503-C-T. GRCh37 (hg19) VCF-style: chr19-14862315-C-T.
Other names: c.1783G>A, p.Gly595Arg (NM_001271052.1); c.1810G>A, p.Gly604Arg (NM_152916.2); c.1678G>A, p.Gly560Arg (NM_152917.2); c.1957G>A (NM_013447.2); short protein forms G560R, G595R, G604R, G653R.
Identifiers: ClinVar variation 2416510 (VCV002416510.7), dbSNP rs370157037, ClinGen allele CA9257553.

ClinVar aggregate classification (germline): Uncertain significance. Review status: criteria provided, multiple submitters, no conflicts (2 of 4 stars). 2 submissions from 2 submitters: Uncertain significance (2). Last evaluated 2025-01-13.

Allele frequency attached by ClinVar (database versions not stated): gnomAD 0.00003; TOPMed 0.00003; ESP Exome Variant Server 0.00008; gnomAD exomes 0.00001; ExAC 0.00002.
gnomAD v4.1: 18 of 1,613,928 alleles (0.0011%); highest among the groups gnomAD compares: Middle Eastern, 0.033%; no homozygotes.

Submissions (2):

Labcorp Genetics (formerly Invitae), Labcorp
Classification: Uncertain significance. Last evaluated: 2025-01-13. Review status: criteria provided, single submitter. Criteria: Invitae Variant Classification Sherloc (09022015). Collection method: clinical testing. Allele origin: germline.
Comment: This sequence change replaces glycine, which is neutral and non-polar, with arginine, which is basic and polar, at codon 653 of the ADGRE2 protein (p.Gly653Arg). This variant is present in population databases (rs370157037, gnomAD 0.004%). This variant has not been reported in the literature in individuals affected with ADGRE2-related conditions. ClinVar contains an entry for this variant (Variation ID: 2416510). An algorithm developed to predict the effect of missense changes on protein structure and function (PolyPhen-2) suggests that this variant is likely to be disruptive. In summary, the available evidence is currently insufficient to determine the role of this variant in disease. Therefore, it has been classified as a Variant of Uncertain Significance.

Ambry Genetics
Classification: Uncertain significance. Last evaluated: 2023-10-13. Review status: criteria provided, single submitter. Criteria: Ambry Variant Classification Scheme 2023. Collection method: clinical testing. Allele origin: germline.